The following is an entry in ClinVar:

NM_145068.4(TRPV3):c.1503+13C>G

Gene: TRPV3 (transient receptor potential cation channel subfamily V member 3; minus strand). Cytogenetic location: 17p13.2.
Variant type: single nucleotide variant.
Coding change: c.1503+13C>G on transcript NM_145068.4 (MANE Select); 13 bases into the intron after coding-DNA position 1503, C replaced by G.
Molecular consequence: intron variant.
Genome position (GRCh38, 1-based): chr17:3,528,012, G>C on the plus strand (C>G on the coding strand, the complement: TRPV3 is on the minus strand). VCF-style: chr17-3528012-G-C. GRCh37 (hg19) VCF-style: chr17-3431306-G-C.
Other names: c.1503+13C>G (NM_001258205.2).
Identifiers: ClinVar variation 322768 (VCV000322768.15), dbSNP rs141061726, ClinGen allele CA8289438.

ClinVar aggregate classification (germline): Benign. Review status: criteria provided, multiple submitters, no conflicts (2 of 4 stars). 4 submissions from 4 submitters: Benign (4). Last evaluated 2025-12-30.

Conditions:
Isolated focal non-epidermolytic palmoplantar keratoderma. Also called: Palmoplantar keratoderma, nonepidermolytic, focal 2. Identifiers: Orphanet 448264, MedGen C4225339, MONDO:0014622, OMIM 616400.

Allele frequency attached by ClinVar (database versions not stated): ESP Exome Variant Server 0.00062; gnomAD 0.00458 and 0.00524; TOPMed 0.00677; ExAC 0.01135; gnomAD exomes 0.01311; 1000 Genomes Project 0.01757.
gnomAD v4.1: 6,041 of 1,602,212 alleles (0.38%); highest among the groups gnomAD compares: East Asian, 5.4%; 162 homozygotes.

Submissions (4):

Labcorp Genetics (formerly Invitae), Labcorp
Classification: Benign. Last evaluated: 2025-12-30. Review status: criteria provided, single submitter. Criteria: Invitae Variant Classification Sherloc (09022015). Collection method: clinical testing. Allele origin: germline.

GeneDx
Classification: Benign. Last evaluated: 2018-11-12. Review status: criteria provided, single submitter. Criteria: GeneDx Variant Classification Process June 2021. Collection method: clinical testing. Allele origin: germline. Affected: yes.

Illumina Laboratory Services, Illumina
Classification: Benign for Isolated focal non-epidermolytic palmoplantar keratoderma. Last evaluated: 2018-01-13. Review status: criteria provided, single submitter. Criteria: ICSL Variant Classification Criteria 13 December 2019. Collection method: clinical testing. Allele origin: germline.
Comment: This variant was observed in the ICSL laboratory as part of a predisposition screen in an ostensibly healthy population. It had not been previously curated by ICSL or reported in the Human Gene Mutation Database (HGMD: prior to June 1st, 2018), and was therefore a candidate for classification through an automated scoring system. Utilizing variant allele frequency, disease prevalence and penetrance estimates, and inheritance mode, an automated score was calculated to assess if this variant is too frequent to cause the disease. Based on the score and internal cut-off values, a variant classified as benign is not then subjected to further curation. The score for this variant resulted in a classification of benign for this disease.

Breakthrough Genomics
Classification: Benign. Review status: criteria provided, single submitter. Criteria: ACMG Guidelines, 2015. Collection method: not provided. Allele origin: germline. Inheritance: Autosomal dominant inheritance. Affected: yes.